The following is an entry in ClinVar:

ClinVar aggregate classification (germline): Likely benign (1 of 4 stars; one submission).

Submission:

CeGaT Center for Human Genetics Tuebingen
Classification: Likely benign. Last evaluated: 2022-12-01. Review status: criteria provided, single submitter. Criteria: CeGaT Center For Human Genetics Tuebingen Variant Classification Criteria Version 2. Collection method: clinical testing. Allele origin: germline. Affected: yes. Observed: 1 variant allele.
Comment: UPP1: BS2

NM_003364.4(UPP1):c.685del (p.Glu229fs)

Gene: UPP1 (uridine phosphorylase 1; plus strand). Cytogenetic location: 7p12.3.
Variant type: Deletion.
Coding change: c.685del on transcript NM_003364.4 (MANE Select); coding-DNA position 685, one base deleted (G; older notation c.685delG).
Protein change: p.Glu229fs; shifts the reading frame from glutamic acid 229.
Molecular consequence: frameshift variant. On other transcripts: non-coding transcript variant (1).
Genome position (GRCh38, 1-based): chr7:48,107,399, G deleted; the last of 2 consecutive G bases (chr7:48,107,398-48,107,399); deleting either gives the same sequence. VCF-style (leftmost placement, unchanged base first): chr7-48107397-CG-C. GRCh37 (hg19) VCF-style: chr7-48146994-CG-C.
Other names: c.685del, p.Glu229fs (NM_001287426.2, NM_001362774.2); c.274del, p.Glu92fs (NM_001287428.2, NM_001287429.2, NM_001287430.1); short protein forms E229fs, E92fs.
Identifiers: ClinVar variation 2657465 (VCV002657465.24), dbSNP rs528673920, ClinGen allele CA4255870.